The following is an entry in ClinVar:

ClinVar aggregate classification (germline): Uncertain significance (1 of 4 stars; one submission).

Submission:

Labcorp Genetics (formerly Invitae), Labcorp
Classification: Uncertain significance. Last evaluated: 2025-12-25. Review status: criteria provided, single submitter. Criteria: Invitae Variant Classification Sherloc (09022015). Collection method: clinical testing. Allele origin: germline.
Comment: This sequence change replaces methionine, which is neutral and non-polar, with arginine, which is basic and polar, at codon 488 of the LZTS1 protein (p.Met488Arg). This variant is not present in population databases (gnomAD no frequency). This variant has not been reported in the literature in individuals affected with LZTS1-related conditions. Invitae Evidence Modeling of protein sequence and biophysical properties (such as structural, functional, and spatial information, amino acid conservation, physicochemical variation, residue mobility, and thermodynamic stability) indicates that this missense variant is not expected to disrupt LZTS1 protein function with a negative predictive value of 80%. In summary, the available evidence is currently insufficient to determine the role of this variant in disease. Therefore, it has been classified as a Variant of Uncertain Significance.

NM_021020.5(LZTS1):c.1463T>G (p.Met488Arg)

Gene: LZTS1 (leucine zipper tumor suppressor 1; minus strand). Cytogenetic location: 8p21.3.
Variant type: single nucleotide variant.
Coding change: c.1463T>G on transcript NM_021020.5 (MANE Select); coding-DNA position 1463, T replaced by G.
Protein change: p.Met488Arg; replaces methionine 488 with arginine.
Molecular consequence: missense variant.
Genome position (GRCh38, 1-based): chr8:20,250,050, A>C on the plus strand (T>G on the coding strand, the complement: LZTS1 is on the minus strand). VCF-style: chr8-20250050-A-C. GRCh37 (hg19) VCF-style: chr8-20107561-A-C.
Other names: c.1463T>G, p.Met488Arg (NM_001362884.2); short protein forms M488R.
Identifiers: ClinVar variation 4742833 (VCV004742833.1).